The following is an entry in ClinVar:

NM_002547.3(OPHN1):c.702+6T>C

Gene: OPHN1 (oligophrenin 1; minus strand). Cytogenetic location: Xq12.
Variant type: single nucleotide variant.
Coding change: c.702+6T>C on transcript NM_002547.3 (MANE Select); 6 bases into the intron after coding-DNA position 702, T replaced by C.
Molecular consequence: intron variant.
Genome position (GRCh38, 1-based): chrX:68,212,102, A>G on the plus strand (T>C on the coding strand, the complement: OPHN1 is on the minus strand). VCF-style: chrX-68212102-A-G. GRCh37 (hg19) VCF-style: chrX-67431944-A-G.
Identifiers: ClinVar variation 3372029 (VCV003372029.1).

ClinVar aggregate classification (germline): Uncertain significance (1 of 4 stars; one submission).

Submission:

GeneDx
Classification: Uncertain significance. Last evaluated: 2024-04-02. Review status: criteria provided, single submitter. Criteria: GeneDx Variant Classification Process June 2021. Collection method: clinical testing. Allele origin: germline. Affected: yes.
Comment: Not observed at significant frequency in large population cohorts (gnomAD); In silico analysis supports a deleterious effect on splicing; Has not been previously published as pathogenic or benign to our knowledge